The following is an entry in ClinVar:

ClinVar aggregate classification (germline): Pathogenic/Likely pathogenic. Review status: criteria provided, multiple submitters, no conflicts (2 of 4 stars). 2 submissions from 2 submitters: Pathogenic (1); Likely pathogenic (1). Last evaluated 2024-05-09.

Conditions:
Retinitis pigmentosa 25 (RP25). Identifiers: Orphanet 791, MedGen C1864446, MONDO:0011272, OMIM 602772.

gnomAD v4.1: 2 of 1,613,066 alleles (0.00012%); highest among the groups gnomAD compares: Non-Finnish European, 0.000085%; no homozygotes.

Submissions (2):

Labcorp Genetics (formerly Invitae), Labcorp
Classification: Pathogenic. Last evaluated: 2024-05-09. Review status: criteria provided, single submitter. Criteria: Invitae Variant Classification Sherloc (09022015). Collection method: clinical testing. Allele origin: germline.
Comment: This sequence change creates a premature translational stop signal (p.Trp446*) in the EYS gene. It is expected to result in an absent or disrupted protein product. Loss-of-function variants in EYS are known to be pathogenic (PMID: 18836446, 20333770). This variant is not present in population databases (gnomAD no frequency). This variant has not been reported in the literature in individuals affected with EYS-related conditions. For these reasons, this variant has been classified as Pathogenic.

Baylor Genetics
Classification: Likely pathogenic for Retinitis pigmentosa 25. Last evaluated: 2023-10-05. Review status: criteria provided, single submitter. Criteria: ACMG Guidelines, 2015. Collection method: clinical testing. Allele origin: unknown.

Literature cited by the submitters: PubMed 18836446 (cited by Labcorp Genetics (formerly Invitae), Labcorp); PubMed 20333770 (cited by Labcorp Genetics (formerly Invitae), Labcorp).

NM_001142800.2(EYS):c.1338G>A (p.Trp446Ter)

Gene: EYS (EGF-like photoreceptor maintenance factor; minus strand). Cytogenetic location: 6q12.
Variant type: single nucleotide variant.
Coding change: c.1338G>A on transcript NM_001142800.2 (MANE Select); coding-DNA position 1338, G replaced by A.
Protein change: p.Trp446Ter; replaces tryptophan 446 with a stop codon.
Molecular consequence: nonsense.
Genome position (GRCh38, 1-based): chr6:65,353,579, C>T on the plus strand (G>A on the coding strand, the complement: EYS is on the minus strand). VCF-style: chr6-65353579-C-T. GRCh37 (hg19) VCF-style: chr6-66063472-C-T.
Other names: c.1338G>A, p.Trp446Ter (NM_001142801.2, NM_001292009.2, NM_198283.2); short protein forms W446*.
Identifiers: ClinVar variation 2675243 (VCV002675243.3), dbSNP rs1280273701, ClinGen allele CA364661873.